The following is an entry in ClinVar:

ClinVar aggregate classification (germline): Uncertain significance (1 of 4 stars; one submission).

Allele frequency attached by ClinVar (database versions not stated): gnomAD exomes below 0.00001; TOPMed below 0.00001.
gnomAD v4.1: 1 of 1,613,790 alleles (0.000062%); highest among the groups gnomAD compares: Non-Finnish European, 0.000085%; no homozygotes.

Submission:

Women's Health and Genetics/Laboratory Corporation of America, LabCorp
Classification: Uncertain significance. Last evaluated: 2022-06-24. Review status: criteria provided, single submitter. Criteria: LabCorp Variant Classification Summary - May 2015. Collection method: clinical testing. Allele origin: germline.
Comment: Variant summary: TRAPPC11 c.2825A>G (p.Asp942Gly) results in a non-conservative amino acid change in the encoded protein sequence. Three of five in-silico tools predict a damaging effect of the variant on protein function. The variant was absent in 251126 control chromosomes. The available data on variant occurrences in the general population are insufficient to allow any conclusion about variant significance. To our knowledge, no occurrence of c.2825A>G in individuals affected with Limb-Girdle Muscular Dystrophy, Autosomal Recessive and no experimental evidence demonstrating its impact on protein function have been reported. No clinical diagnostic laboratories have submitted clinical-significance assessments for this variant to ClinVar after 2014. Based on the evidence outlined above, the variant was classified as uncertain significance.

NM_021942.6(TRAPPC11):c.2825A>G (p.Asp942Gly)

Gene: TRAPPC11 (trafficking protein particle complex subunit 11; plus strand). Cytogenetic location: 4q35.1.
Variant type: single nucleotide variant.
Coding change: c.2825A>G on transcript NM_021942.6 (MANE Select); coding-DNA position 2825, A replaced by G.
Protein change: p.Asp942Gly; replaces aspartic acid 942 with glycine.
Molecular consequence: missense variant.
Genome position (GRCh38, 1-based): chr4:183,697,809, A>G. VCF-style: chr4-183697809-A-G. GRCh37 (hg19) VCF-style: chr4-184618962-A-G.
Other names: c.2825A>G, p.Asp942Gly (NM_199053.3); short protein forms D942G.
Identifiers: ClinVar variation 1698636 (VCV001698636.1), dbSNP rs202094535, ClinGen allele CA111861625.
Genomic context (GRCh38, chr4:183,697,809, plus strand): 5'-CCTGGGCCCTCACTATTGTTTCCAGTGAGCTCCAGCTTGCTCCATCCATGACCACAGTGG[A>G]CCAGCTCGAGTCTCAAGTGGACAATGGTGAGTCTGGTTCATTCCCACTTAAAGACCAGGA-3'
Protein context (NP_068761.4, residues 932-952): LQLAPSMTTV[Asp942Gly]QLESQVDNVI